The following is an entry in ClinVar:

ClinVar aggregate classification (germline): Uncertain significance (1 of 4 stars; one submission).

Submission:

CeGaT Center for Human Genetics Tuebingen
Classification: Uncertain significance. Last evaluated: 2023-03-01. Review status: criteria provided, single submitter. Criteria: CeGaT Center For Human Genetics Tuebingen Variant Classification Criteria Version 2. Collection method: clinical testing. Allele origin: germline. Affected: yes. Observed: 1 variant allele.
Comment: UBAP1: PM2, BP4

NM_016525.5(UBAP1):c.1088C>A (p.Thr363Asn)

Gene: UBAP1 (ubiquitin associated protein 1; plus strand). Cytogenetic location: 9p13.3.
Variant type: single nucleotide variant.
Coding change: c.1088C>A on transcript NM_016525.5 (MANE Select); coding-DNA position 1088, C replaced by A.
Protein change: p.Thr363Asn; replaces threonine 363 with asparagine.
Molecular consequence: missense variant. On other transcripts: non-coding transcript variant (1).
Genome position (GRCh38, 1-based): chr9:34,249,783, C>A. VCF-style: chr9-34249783-C-A. GRCh37 (hg19) VCF-style: chr9-34249781-C-A.
Other names: c.1280C>A, p.Thr427Asn (NM_001171201.1); c.1196C>A, p.Thr399Asn (NM_001171202.1); c.1088C>A, p.Thr363Asn (NM_001171203.3, NM_001171204.3); short protein forms T363N, T399N, T427N.
Identifiers: ClinVar variation 2659152 (VCV002659152.24), dbSNP rs2491125153, ClinGen allele CA373253262.